The following is an entry in ClinVar:

ClinVar aggregate classification (germline): Pathogenic. Review status: criteria provided, multiple submitters, no conflicts (2 of 4 stars). 4 submissions from 4 submitters: Pathogenic (4). Last evaluated 2026-02-17.

Conditions:
DICER1-related tumor predisposition. Also called: DICER1-related pleuropulmonary blastoma cancer predisposition syndrome; DICER1 syndrome. Identifiers: Orphanet 284343, MedGen C3839822, MONDO:0100216.
Hereditary cancer-predisposing syndrome. Also called: Hereditary neoplastic syndrome; Neoplastic Syndromes, Hereditary; Tumor predisposition; Hereditary Cancer Syndrome. Identifiers: Orphanet 140162, MedGen C0027672, MeSH D009386, MONDO:0015356.

Allele frequency attached by ClinVar (database versions not stated): TOPMed below 0.00001.

Submissions (4):

Myriad Genetics, Inc.
Classification: Pathogenic for DICER1-related tumor predisposition. Last evaluated: 2026-02-17. Review status: criteria provided, single submitter. Criteria: Myriad Autosomal Dominant, Autosomal Recessive and X-Linked Classification Criteria (2023). Collection method: clinical testing. Allele origin: unknown.
Comment: This variant is considered pathogenic. This variant creates a termination codon and is predicted to result in premature protein truncation.

GeneDx
Classification: Pathogenic. Last evaluated: 2024-06-28. Review status: criteria provided, single submitter. Criteria: GeneDx Variant Classification Process June 2021. Collection method: clinical testing. Allele origin: germline. Affected: yes.
Comment: Nonsense variant predicted to result in protein truncation or nonsense mediated decay in a gene for which loss of function is a known mechanism of disease; Not observed at significant frequency in large population cohorts (gnomAD); This variant is associated with the following publications: (PMID: Canfarotta[Article]2016, 31285663, 29762508)

Labcorp Genetics (formerly Invitae), Labcorp
Classification: Pathogenic for DICER1-related tumor predisposition. Last evaluated: 2022-07-19. Review status: criteria provided, single submitter. Criteria: Invitae Variant Classification Sherloc (09022015). Collection method: clinical testing. Allele origin: germline.
Comment: For these reasons, this variant has been classified as Pathogenic. Algorithms developed to predict the effect of sequence changes on RNA splicing suggest that this variant may disrupt the consensus splice site. This premature translational stop signal has been observed in individual(s) with DICER1-related conditions (PMID: 29762508, 31285663). This variant is not present in population databases (gnomAD no frequency). This sequence change creates a premature translational stop signal (p.Gln109*) in the DICER1 gene. It is expected to result in an absent or disrupted protein product. Loss-of-function variants in DICER1 are known to be pathogenic (PMID: 19556464, 21266384).

Ambry Genetics
Classification: Pathogenic for Hereditary cancer-predisposing syndrome. Last evaluated: 2017-12-06. Review status: criteria provided, single submitter. Criteria: Ambry Variant Classification Scheme 2023. Collection method: clinical testing. Allele origin: germline.
Comment: The p.Q109* pathogenic mutation (also known as c.325C>T), located in coding exon 3 of the DICER1 gene, results from a C to T substitution at nucleotide position 325. This changes the amino acid from a glutamine to a stop codon within coding exon 3. In addition to the clinical data presented in the literature, this alteration is expected to result in loss of function by premature protein truncation or nonsense-mediated mRNA decay. As such, this alteration is interpreted as a disease-causing mutation.

Literature cited by the submitters: PubMed 29762508 (cited by Labcorp Genetics (formerly Invitae), Labcorp); PubMed 31285663 (cited by Labcorp Genetics (formerly Invitae), Labcorp); PubMed 19556464 (cited by Labcorp Genetics (formerly Invitae), Labcorp); PubMed 21266384 (cited by Labcorp Genetics (formerly Invitae), Labcorp).

NM_177438.3(DICER1):c.325C>T (p.Gln109Ter)

Gene: DICER1 (dicer 1, ribonuclease III; minus strand). Cytogenetic location: 14q32.13.
Variant type: single nucleotide variant.
Coding change: c.325C>T on transcript NM_177438.3 (MANE Select); coding-DNA position 325, C replaced by T.
Protein change: p.Gln109Ter; replaces glutamine 109 with a stop codon.
Molecular consequence: nonsense. On other transcripts: 5 prime UTR variant (2), non-coding transcript variant (5), intron variant (6).
Genome position (GRCh38, 1-based): chr14:95,131,622, G>A on the plus strand (C>T on the coding strand, the complement: DICER1 is on the minus strand). VCF-style: chr14-95131622-G-A. GRCh37 (hg19) VCF-style: chr14-95597959-G-A.
Other names: c.325C>T, p.Gln109Ter (NM_001291628.2, NM_001395677.1, NM_001395681.1 and 15 more transcripts); c.-1244C>T (NM_001395697.1); c.43C>T, p.Gln15Ter (NM_001395686.1); c.-134C>T (NM_001395691.1); c.33+893C>T (NM_001395690.1, NM_001395687.1, NM_001395689.1 and 3 more transcripts); short protein forms Q15*, Q109*.
Identifiers: ClinVar variation 1729513 (VCV001729513.9), dbSNP rs1893959823, ClinGen allele CA390889418.